The following is an entry in ClinVar:

ClinVar aggregate classification (germline): Uncertain significance (1 of 4 stars; one submission).

Submission:

Labcorp Genetics (formerly Invitae), Labcorp
Classification: Uncertain significance. Last evaluated: 2025-03-27. Review status: criteria provided, single submitter. Criteria: Invitae Variant Classification Sherloc (09022015). Collection method: clinical testing. Allele origin: germline.
Comment: This sequence change replaces glutamine, which is neutral and polar, with histidine, which is basic and polar, at codon 39 of the FBXO11 protein (p.Gln39His). This variant is not present in population databases (gnomAD no frequency). This variant has not been reported in the literature in individuals affected with FBXO11-related conditions. Experimental studies and prediction algorithms are not available or were not evaluated, and the functional significance of this variant is currently unknown. In summary, the available evidence is currently insufficient to determine the role of this variant in disease. Therefore, it has been classified as a Variant of Uncertain Significance.

NM_001190274.2(FBXO11):c.117G>C (p.Gln39His)

Genes: FBXO11 (F-box protein 11; minus strand), LOC100506235 (uncharacterized LOC100506235; plus strand). Cytogenetic location: 2p16.3.
Variant type: single nucleotide variant.
Coding change: c.117G>C on transcript NM_001190274.2 (MANE Select); coding-DNA position 117, G replaced by C.
Protein change: p.Gln39His; replaces glutamine 39 with histidine.
Molecular consequence: missense variant. On other transcripts: non-coding transcript variant (1).
Genome position (GRCh38, 1-based): chr2:47,905,604, C>G on the plus strand (G>C on the coding strand, the complement: FBXO11 is on the minus strand). VCF-style: chr2-47905604-C-G. GRCh37 (hg19) VCF-style: chr2-48132743-C-G.
Other names: short protein forms Q39H.
Identifiers: ClinVar variation 4715888 (VCV004715888.1).